The following is an entry in ClinVar:

NM_001379110.1(SLC9A6):c.1958G>T (p.Arg653Leu)

Gene: SLC9A6 (solute carrier family 9 member A6; plus strand). Cytogenetic location: Xq26.3.
Variant type: single nucleotide variant.
Coding change: c.1958G>T on transcript NM_001379110.1 (MANE Select); coding-DNA position 1958, G replaced by T.
Protein change: p.Arg653Leu; replaces arginine 653 with leucine.
Molecular consequence: missense variant.
Genome position (GRCh38, 1-based): chrX:136,044,642, G>T. VCF-style: chrX-136044642-G-T. GRCh37 (hg19) VCF-style: chrX-135126801-G-T.
Other names: c.2024G>T, p.Arg675Leu (NM_001042537.2); c.1868G>T, p.Arg623Leu (NM_001177651.2); c.1772G>T, p.Arg591Leu (NM_001330652.2); c.1928G>T, p.Arg643Leu (NM_006359.3); short protein forms R591L, R623L, R643L, R653L, R675L.
Identifiers: ClinVar variation 1062923 (VCV001062923.9), dbSNP rs1177738754, ClinGen allele CA414757213.

ClinVar aggregate classification (germline): Uncertain significance (1 of 4 stars; one submission).

Conditions:
Christianson syndrome (MRXSCH). Also called: X-linked mental retardation, syndromic, Christianson type; INTELLECTUAL DEVELOPMENTAL DISORDER, X-LINKED, SYNDROMIC, CHRISTIANSON TYPE; SLC9A6-Related Syndromic Mental Retardation. Identifiers: Orphanet 85278, MedGen C2678194, MONDO:0010278, OMIM 300243.

Submission:

Labcorp Genetics (formerly Invitae), Labcorp
Classification: Uncertain significance for Christianson syndrome. Last evaluated: 2024-08-13. Review status: criteria provided, single submitter. Criteria: Invitae Variant Classification Sherloc (09022015). Collection method: clinical testing. Allele origin: germline.
Comment: This sequence change replaces arginine, which is basic and polar, with leucine, which is neutral and non-polar, at codon 643 of the SLC9A6 protein (p.Arg643Leu). This variant is not present in population databases (gnomAD no frequency). This variant has not been reported in the literature in individuals affected with SLC9A6-related conditions. ClinVar contains an entry for this variant (Variation ID: 1062923). An algorithm developed to predict the effect of missense changes on protein structure and function (PolyPhen-2) suggests that this variant is likely to be disruptive. In summary, the available evidence is currently insufficient to determine the role of this variant in disease. Therefore, it has been classified as a Variant of Uncertain Significance.